The following is an entry in ClinVar:

NM_002474.3(MYH11):c.1918C>T (p.Pro640Ser)

Gene: MYH11 (myosin heavy chain 11; minus strand). Cytogenetic location: 16p13.11.
Variant type: single nucleotide variant.
Coding change: c.1918C>T on transcript NM_002474.3 (MANE Select); coding-DNA position 1918, C replaced by T.
Protein change: p.Pro640Ser; replaces proline 640 with serine.
Molecular consequence: missense variant.
Genome position (GRCh38, 1-based): chr16:15,750,278, G>A on the plus strand (C>T on the coding strand, the complement: MYH11 is on the minus strand). VCF-style: chr16-15750278-G-A. GRCh37 (hg19) VCF-style: chr16-15844135-G-A.
Other names: c.1939C>T, p.Pro647Ser (NM_001040113.2, NM_001040114.2); c.1918C>T, p.Pro640Ser (NM_022844.3); short protein forms P647S, P640S.
Identifiers: ClinVar variation 3297377 (VCV003297377.2).

ClinVar aggregate classification (germline): Uncertain significance (1 of 4 stars; one submission).

Conditions:
Familial thoracic aortic aneurysm and aortic dissection (TAAD). Also called: Thoracic aortic aneurysms and dissections. Identifiers: Orphanet 91387, MedGen C4707243, MONDO:0019625.

Submission:

Ambry Genetics
Classification: Uncertain significance for Familial thoracic aortic aneurysm and aortic dissection. Last evaluated: 2026-07-02. Review status: criteria provided, single submitter. Criteria: Ambry Variant Classification Scheme 2023. Collection method: clinical testing. Allele origin: germline.
Comment: The p.P640S variant (also known as c.1918C>T), located in coding exon 15 of the MYH11 gene, results from a C to T substitution at nucleotide position 1918. The proline at codon 640 is replaced by serine, an amino acid with similar properties. This amino acid position is conserved. In addition, the in silico prediction for this alteration is inconclusive. Based on the available evidence, the clinical significance of this variant remains unclear.